The following is an entry in ClinVar:

NM_000166.6(GJB1):c.185G>C (p.Ser62Thr)

Gene: GJB1 (gap junction protein beta 1; plus strand). Cytogenetic location: Xq13.1.
Variant type: single nucleotide variant.
Coding change: c.185G>C on transcript NM_000166.6 (MANE Select); coding-DNA position 185, G replaced by C.
Protein change: p.Ser62Thr; replaces serine 62 with threonine.
Molecular consequence: missense variant.
Genome position (GRCh38, 1-based): chrX:71,223,892, G>C. VCF-style: chrX-71223892-G-C. GRCh37 (hg19) VCF-style: chrX-70443742-G-C.
Other names: c.185G>C, p.Ser62Thr (NM_001097642.3); short protein forms S62T.
Identifiers: ClinVar variation 2972995 (VCV002972995.3), dbSNP rs2519797990, ClinGen allele CA413501337.

ClinVar aggregate classification (germline): Uncertain significance (1 of 4 stars; one submission).

Conditions:
Charcot-Marie-Tooth Neuropathy X. Identifiers: MedGen CN118851.

Submission:

Labcorp Genetics (formerly Invitae), Labcorp
Classification: Uncertain significance for Charcot-Marie-Tooth Neuropathy X. Last evaluated: 2023-04-12. Review status: criteria provided, single submitter. Criteria: Invitae Variant Classification Sherloc (09022015). Collection method: clinical testing. Allele origin: germline.
Comment: This sequence change replaces serine, which is neutral and polar, with threonine, which is neutral and polar, at codon 62 of the GJB1 protein (p.Ser62Thr). This variant is not present in population databases (gnomAD no frequency). This missense change has been observed in individual(s) with Charcot-Marie-Tooth disease (PMID: 32010055). Advanced modeling of protein sequence and biophysical properties (such as structural, functional, and spatial information, amino acid conservation, physicochemical variation, residue mobility, and thermodynamic stability) performed at Invitae indicates that this missense variant is not expected to disrupt GJB1 protein function. This variant disrupts the p.Ser62 amino acid residue in GJB1. Other variant(s) that disrupt this residue have been determined to be pathogenic (PMID: 20942588). This suggests that this residue is clinically significant, and that variants that disrupt this residue are likely to be disease-causing. In summary, the available evidence is currently insufficient to determine the role of this variant in disease. Therefore, it has been classified as a Variant of Uncertain Significance.

Literature cited by the submitters: PubMed 32010055; PubMed 20942588.